The following is an entry in ClinVar:

NM_005918.4(MDH2):c.196G>A (p.Ala66Thr)

Gene: MDH2 (malate dehydrogenase 2; plus strand). Cytogenetic location: 7q11.23.
Variant type: single nucleotide variant.
Coding change: c.196G>A on transcript NM_005918.4 (MANE Select); coding-DNA position 196, G replaced by A.
Protein change: p.Ala66Thr; replaces alanine 66 with threonine.
Molecular consequence: missense variant. On other transcripts: intron variant (1).
Genome position (GRCh38, 1-based): chr7:76,054,959, G>A. VCF-style: chr7-76054959-G-A. GRCh37 (hg19) VCF-style: chr7-75684277-G-A.
Other names: c.196G>A, p.Ala66Thr (NM_001282403.2); c.-86-2451G>A (NM_001282404.2); short protein forms A66T.
Identifiers: ClinVar variation 1395021 (VCV001395021.10), dbSNP rs141539461, ClinGen allele CA4305445.

ClinVar aggregate classification (germline): Uncertain significance. Review status: criteria provided, multiple submitters, no conflicts (2 of 4 stars). 5 submissions from 5 submitters: Uncertain significance (5). Last evaluated 2026-05-01.

Conditions:
Inborn genetic diseases. Identifiers: MedGen C0950123, MeSH D030342.
Hereditary pheochromocytoma and paraganglioma. Also called: Hereditary Paraganglioma-Pheochromocytoma Syndromes; Hereditary paragangliomas and pheochromocytomas; Hereditary pheochromocytoma-paraganglioma. Identifiers: Orphanet 29072, MedGen C4274332, MONDO:0017366.

Allele frequency attached by ClinVar (database versions not stated): gnomAD 0.00011 and 0.00012; TOPMed 0.00011; ExAC 0.00012; gnomAD exomes 0.00014 and 0.00018; ESP Exome Variant Server 0.00015.

Submissions (5):

CeGaT Center for Human Genetics Tuebingen
Classification: Uncertain significance. Last evaluated: 2026-05-01. Review status: criteria provided, single submitter. Criteria: CeGaT Center For Human Genetics Tuebingen Variant Classification Criteria Version 2. Collection method: clinical testing. Allele origin: germline. Affected: yes. Observed: 1 variant allele.

Labcorp Genetics (formerly Invitae), Labcorp
Classification: Uncertain significance. Last evaluated: 2026-01-27. Review status: criteria provided, single submitter. Criteria: Invitae Variant Classification Sherloc (09022015). Collection method: clinical testing. Allele origin: germline.
Comment: This sequence change replaces alanine, which is neutral and non-polar, with threonine, which is neutral and polar, at codon 66 of the MDH2 protein (p.Ala66Thr). This variant is present in population databases (rs141539461, gnomAD 0.02%). This missense change has been observed in individual(s) with developmental and epileptic encephalopathy (PMID: 36420423). ClinVar contains an entry for this variant (Variation ID: 1395021). Invitae Evidence Modeling of protein sequence and biophysical properties (such as structural, functional, and spatial information, amino acid conservation, physicochemical variation, residue mobility, and thermodynamic stability) indicates that this missense variant is not expected to disrupt MDH2 protein function with a negative predictive value of 80%. In summary, the available evidence is currently insufficient to determine the role of this variant in disease. Therefore, it has been classified as a Variant of Uncertain Significance.

Molecular Pathology, Peter Maccallum Cancer Centre
Classification: Uncertain significance for Hereditary pheochromocytoma and paraganglioma. Last evaluated: 2025-01-16. Review status: criteria provided, single submitter. Criteria: ACMG Guidelines, 2015. Collection method: clinical testing. Allele origin: germline.

Ambry Genetics
Classification: Uncertain significance for Inborn genetic diseases. Last evaluated: 2022-09-17. Review status: criteria provided, single submitter. Criteria: Ambry Variant Classification Scheme 2023. Collection method: clinical testing. Allele origin: germline.
Comment: The p.A66T variant (also known as c.196G>A), located in coding exon 2 of the MDH2 gene, results from a G to A substitution at nucleotide position 196. The alanine at codon 66 is replaced by threonine, an amino acid with similar properties. This amino acid position is conserved. In addition, the in silico prediction for this alteration is inconclusive. Since supporting evidence is limited at this time, the clinical significance of this alteration remains unclear.

Breakthrough Genomics
Classification: Uncertain significance. Review status: criteria provided, single submitter. Criteria: ACMG Guidelines, 2015. Collection method: not provided. Allele origin: germline. Inheritance: Autosomal recessive inheritance. Affected: yes.

Literature cited by the submitters: PubMed 36420423 (cited by Labcorp Genetics (formerly Invitae), Labcorp).